The following is an entry in ClinVar:

NM_000074.3(CD40LG):c.608G>C (p.Arg203Thr)

Gene: CD40LG (CD40 ligand; plus strand). Cytogenetic location: Xq26.3.
Variant type: single nucleotide variant.
Coding change: c.608G>C on transcript NM_000074.3 (MANE Select); coding-DNA position 608, G replaced by C.
Protein change: p.Arg203Thr; replaces arginine 203 with threonine.
Molecular consequence: missense variant.
Genome position (GRCh38, 1-based): chrX:136,659,237, G>C. VCF-style: chrX-136659237-G-C. GRCh37 (hg19) VCF-style: chrX-135741396-G-C.
Other names: short protein forms R203T.
Identifiers: ClinVar variation 863776 (VCV000863776.10), dbSNP rs2076127596, ClinGen allele CA414756085.

ClinVar aggregate classification (germline): Uncertain significance (1 of 4 stars; one submission).

Conditions:
Hyper-IgM syndrome type 1. Also called: Hyper-IgM Immunodeficiency Syndrome, Type 1; X-linked hyper-IgM syndrome; Immunodeficiency, X-linked, with hyper-IgM; CD40 Ligand Deficiency. Identifiers: Orphanet 101088, MedGen C0398689, MONDO:0010626, OMIM 308230.

Submission:

Labcorp Genetics (formerly Invitae), Labcorp
Classification: Uncertain significance for Hyper-IgM syndrome type 1. Last evaluated: 2019-04-09. Review status: criteria provided, single submitter. Criteria: Invitae Variant Classification Sherloc (09022015). Collection method: clinical testing. Allele origin: germline.
Comment: In summary, the available evidence is currently insufficient to determine the role of this variant in disease. Therefore, it has been classified as a Variant of Uncertain Significance. This variant has been reported to affect CD40LG protein function (PMID: 27324886). This variant has been observed in an individual affected with hyper immunoglobulin M syndrome (PMID: 27324886). This variant is not present in population databases (ExAC no frequency). This sequence change replaces arginine with threonine at codon 203 of the CD40LG protein (p.Arg203Thr). The arginine residue is highly conserved and there is a moderate physicochemical difference between arginine and threonine.

Literature cited by the submitters: PubMed 27324886.